The following is an entry in ClinVar:

NM_000186.4(CFH):c.1310C>T (p.Ser437Phe)

Gene: CFH (complement factor H; plus strand). Cytogenetic location: 1q31.3.
Variant type: single nucleotide variant.
Coding change: c.1310C>T on transcript NM_000186.4 (MANE Select); coding-DNA position 1310, C replaced by T.
Protein change: p.Ser437Phe; replaces serine 437 with phenylalanine.
Molecular consequence: missense variant.
Genome position (GRCh38, 1-based): chr1:196,690,213, C>T. VCF-style: chr1-196690213-C-T. GRCh37 (hg19) VCF-style: chr1-196659343-C-T.
Other names: c.1310C>T, p.Ser437Phe (NM_001014975.3); short protein forms S437F.
Identifiers: ClinVar variation 3623055 (VCV003623055.2).

ClinVar aggregate classification (germline): Uncertain significance (1 of 4 stars; one submission).

gnomAD v4.1: 2 of 1,613,352 alleles (0.00012%); highest among the groups gnomAD compares: South Asian, 0.0011%; no homozygotes.

Submission:

Labcorp Genetics (formerly Invitae), Labcorp
Classification: Uncertain significance. Last evaluated: 2024-07-30. Review status: criteria provided, single submitter. Criteria: Invitae Variant Classification Sherloc (09022015). Collection method: clinical testing. Allele origin: germline.
Comment: This sequence change replaces serine, which is neutral and polar, with phenylalanine, which is neutral and non-polar, at codon 437 of the CFH protein (p.Ser437Phe). This variant is not present in population databases (gnomAD no frequency). This variant has not been reported in the literature in individuals affected with CFH-related conditions. An algorithm developed to predict the effect of missense changes on protein structure and function outputs the following: PolyPhen-2: "Probably Damaging". The phenylalanine amino acid residue is found in multiple mammalian species, which suggests that this missense change does not adversely affect protein function. In summary, the available evidence is currently insufficient to determine the role of this variant in disease. Therefore, it has been classified as a Variant of Uncertain Significance.